The following is an entry in ClinVar:

ClinVar aggregate classification (germline): Uncertain significance (1 of 4 stars; one submission).

Allele frequency attached by ClinVar (database versions not stated): gnomAD 0.00001; TOPMed 0.00002.
gnomAD v4.1: 7 of 1,612,300 alleles (0.00043%); highest among the groups gnomAD compares: Non-Finnish European, 0.00059%; no homozygotes.

Submission:

Labcorp Genetics (formerly Invitae), Labcorp
Classification: Uncertain significance. Last evaluated: 2026-01-21. Review status: criteria provided, single submitter. Criteria: Invitae Variant Classification Sherloc (09022015). Collection method: clinical testing. Allele origin: germline.
Comment: This sequence change falls in intron 20 of the TNNI3K gene. It does not directly change the encoded amino acid sequence of the TNNI3K protein. It affects a nucleotide within the consensus splice site. This variant is not present in population databases (gnomAD no frequency). This variant has not been reported in the literature in individuals affected with TNNI3K-related conditions. ClinVar contains an entry for this variant (Variation ID: 2177188). Variants that disrupt the consensus splice site are a relatively common cause of aberrant splicing (PMID: 17576681, 9536098). Algorithms developed to predict the effect of sequence changes on RNA splicing suggest that this variant is not likely to affect RNA splicing. In summary, the available evidence is currently insufficient to determine the role of this variant in disease. Therefore, it has been classified as a Variant of Uncertain Significance.

Literature cited by the submitters: PubMed 17576681; PubMed 9536098.

NM_015978.3(TNNI3K):c.2011+6A>G

Genes: FPGT-TNNI3K (FPGT-TNNI3K readthrough; plus strand), TNNI3K (TNNI3 interacting kinase; plus strand). Cytogenetic location: 1p31.1.
Variant type: single nucleotide variant.
Coding change: c.2011+6A>G on transcript NM_015978.3 (MANE Select); 6 bases into the intron after coding-DNA position 2011, A replaced by G.
Molecular consequence: intron variant.
Genome position (GRCh38, 1-based): chr1:74,439,628, A>G. VCF-style: chr1-74439628-A-G. GRCh37 (hg19) VCF-style: chr1-74905312-A-G.
Other names: c.2314+6A>G (NM_001112808.3, NM_001199327.2).
Identifiers: ClinVar variation 2177188 (VCV002177188.4), dbSNP rs915908192, ClinGen allele CA24566091.